The following is an entry in ClinVar:

ClinVar aggregate classification (germline): Likely benign. Review status: criteria provided, multiple submitters, no conflicts (2 of 4 stars). 4 submissions from 4 submitters: Likely benign (3). 1 of the submissions does not count toward it. Last evaluated 2026-01-01.

Conditions:
IARS2-related disorder. Also called: IARS2-related condition.

Allele frequency attached by ClinVar (database versions not stated): gnomAD exomes 0.00007 and 0.00011; ExAC 0.00012; TOPMed 0.00013; gnomAD 0.00020 and 0.00023; ESP Exome Variant Server 0.00023; 1000 Genomes Project 0.00080; 1000 Genomes Project 30x 0.00109.
gnomAD v4.1: 148 of 1,613,070 alleles (0.0092%); highest among the groups gnomAD compares: African/African-American, 0.031%; 1 homozygote.

Submissions (4):

CeGaT Center for Human Genetics Tuebingen
Classification: Likely benign. Last evaluated: 2026-01-01. Review status: criteria provided, single submitter. Criteria: CeGaT Center For Human Genetics Tuebingen Variant Classification Criteria Version 2. Collection method: clinical testing. Allele origin: germline. Affected: yes. Observed: 1 variant allele.
Comment: IARS2: BP4, BP7

Labcorp Genetics (formerly Invitae), Labcorp
Classification: Likely benign. Last evaluated: 2025-03-30. Review status: criteria provided, single submitter. Criteria: Invitae Variant Classification Sherloc (09022015). Collection method: clinical testing. Allele origin: germline.

GeneDx
Classification: Likely benign. Last evaluated: 2016-07-26. Review status: criteria provided, single submitter. Criteria: GeneDx Variant Classification (06012015). Collection method: clinical testing. Allele origin: germline. Affected: yes.
Comment: This variant is considered likely benign or benign based on one or more of the following criteria: it is a conservative change, it occurs at a poorly conserved position in the protein, it is predicted to be benign by multiple in silico algorithms, and/or has population frequency not consistent with disease.

PreventionGenetics, part of Exact Sciences
Classification: Likely benign for IARS2-related condition. Last evaluated: 2019-06-19. Review status: no assertion criteria provided. Collection method: clinical testing. Allele origin: germline. Not counted in ClinVar's aggregate classification.
Comment: This variant is classified as likely benign based on ACMG/AMP sequence variant interpretation guidelines (Richards et al. 2015 PMID: 25741868, with internal and published modifications).

NM_018060.4(IARS2):c.990C>T (p.Tyr330=)

Gene: IARS2 (isoleucyl-tRNA synthetase 2, mitochondrial; plus strand). Cytogenetic location: 1q41.
Variant type: single nucleotide variant.
Coding change: c.990C>T on transcript NM_018060.4 (MANE Select); coding-DNA position 990, C replaced by T.
Protein change: p.Tyr330=; no amino-acid change (tyrosine 330 retained).
Molecular consequence: synonymous variant.
Genome position (GRCh38, 1-based): chr1:220,103,486, C>T. VCF-style: chr1-220103486-C-T. GRCh37 (hg19) VCF-style: chr1-220276828-C-T.
Identifiers: ClinVar variation 387995 (VCV000387995.15), dbSNP rs377623873, ClinGen allele CA1401274.
Genomic context (GRCh38, chr1:220,103,486, plus strand): 5'-TCTCCTAAAATTTTATGTTAGGTATGCTGTTGTGAAATGTTCTAAGTCTGGAGACCTCTA[C>T]GTACTGGCGGCAGATAAAGTAGCATCTGTTGCTTCTACTTTGGAAACAACATTTGAGACT-3'
Protein context (NP_060530.3, residues 320-340): VVKCSKSGDL[Tyr330=]VLAADKVASV